The following is an entry in ClinVar:

ClinVar aggregate classification (germline): Benign/Likely benign. Review status: criteria provided, multiple submitters, no conflicts (2 of 4 stars). 3 submissions from 3 submitters: Benign (1); Likely benign (2). Last evaluated 2024-10-04.

Conditions:
Hereditary cancer-predisposing syndrome. Also called: Tumor predisposition; Hereditary Cancer Syndrome; Neoplastic Syndromes, Hereditary; Hereditary neoplastic syndrome. Identifiers: Orphanet 140162, MedGen C0027672, MeSH D009386, MONDO:0015356.
Familial cancer of breast. Also called: BREAST CANCER, FAMILIAL; Hereditary breast cancer; hereditary breast carcinoma. Identifiers: Orphanet 227535, MedGen C0346153, MONDO:0016419, OMIM 114480. Disease mechanism: loss of function.

Allele frequency attached by ClinVar (database versions not stated): gnomAD exomes below 0.00001; TOPMed 0.00001.
gnomAD v4.1: 2 of 1,613,662 alleles (0.00012%); highest among the groups gnomAD compares: Non-Finnish European, 0.00017%; no homozygotes.

Submissions (3):

Myriad Genetics, Inc.
Classification: Benign for Familial cancer of breast. Last evaluated: 2024-10-04. Review status: criteria provided, single submitter. Criteria: Myriad Autosomal Dominant, Autosomal Recessive and X-Linked Classification Criteria (2023). Collection method: clinical testing. Allele origin: unknown.
Comment: This variant is considered benign. This variant is a silent/synonymous amino acid change and it is not expected to impact splicing.

Labcorp Genetics (formerly Invitae), Labcorp
Classification: Likely benign for Familial cancer of breast. Last evaluated: 2024-07-10. Review status: criteria provided, single submitter. Criteria: Invitae Variant Classification Sherloc (09022015). Collection method: clinical testing. Allele origin: germline.

Ambry Genetics
Classification: Likely benign for Hereditary cancer-predisposing syndrome. Last evaluated: 2019-01-10. Review status: criteria provided, single submitter. Criteria: Ambry Variant Classification Scheme 2023. Collection method: clinical testing. Allele origin: germline.

NM_007194.4(CHEK2):c.1056T>C (p.Asn352=)

Gene: CHEK2 (checkpoint kinase 2; minus strand). Cytogenetic location: 22q12.1.
Variant type: single nucleotide variant.
Coding change: c.1056T>C on transcript NM_007194.4 (MANE Select); coding-DNA position 1056, T replaced by C.
Protein change: p.Asn352=; no amino-acid change (asparagine 352 retained).
Molecular consequence: synonymous variant. On other transcripts: intron variant (3).
Genome position (GRCh38, 1-based): chr22:28,696,940, A>G on the plus strand (T>C on the coding strand, the complement: CHEK2 is on the minus strand). VCF-style: chr22-28696940-A-G. GRCh37 (hg19) VCF-style: chr22-29092928-A-G.
Other names: c.1185T>C, p.Asn395= (NM_001005735.3); c.393T>C, p.Asn131= (NM_001257387.3, NM_001437942.1); c.855T>C, p.Asn285= (NM_001349956.3); c.1149T>C, p.Asn383= (NM_001438293.1); c.1009-1067T>C (NM_145862.3); c.1102-1067T>C (NM_001438295.1); c.1138-1067T>C (NM_001438294.1).
Identifiers: ClinVar variation 822091 (VCV000822091.7), dbSNP rs1060502709, ClinGen allele CA513944980.
Genomic context (GRCh38, chr22:28,696,940, plus strand): 5'-TACAGAATGCCAATTTCTTACCTTTATAAGACAGTCCTCTTCTTGAGATGACAGTAAAAC[A>G]TTCTCTGGCTTTAAGTCACGGTGTATAATACCGTTTTCATGAAGGTACTACACAGAAAGG-3'
Protein context (NP_009125.1, residues 342-362): GIIHRDLKPE[Asn352=]VLLSSQEEDC